The following is an entry in ClinVar:

ClinVar aggregate classification (germline): Uncertain significance (1 of 4 stars; one submission).

Allele frequency attached by ClinVar (database versions not stated): gnomAD exomes below 0.00001; gnomAD 0.00001.

Submission:

Labcorp Genetics (formerly Invitae), Labcorp
Classification: Uncertain significance. Last evaluated: 2024-07-25. Review status: criteria provided, single submitter. Criteria: Invitae Variant Classification Sherloc (09022015). Collection method: clinical testing. Allele origin: germline.
Comment: This sequence change replaces glycine, which is neutral and non-polar, with glutamic acid, which is acidic and polar, at codon 65 of the CDH2 protein (p.Gly65Glu). This variant is not present in population databases (gnomAD no frequency). This variant has not been reported in the literature in individuals affected with CDH2-related conditions. ClinVar contains an entry for this variant (Variation ID: 1357952). An algorithm developed to predict the effect of missense changes on protein structure and function (PolyPhen-2) suggests that this variant is likely to be tolerated. In summary, the available evidence is currently insufficient to determine the role of this variant in disease. Therefore, it has been classified as a Variant of Uncertain Significance.

NM_001792.5(CDH2):c.194G>A (p.Gly65Glu)

Gene: CDH2 (cadherin 2; minus strand). Cytogenetic location: 18q12.1.
Variant type: single nucleotide variant.
Coding change: c.194G>A on transcript NM_001792.5 (MANE Select); coding-DNA position 194, G replaced by A.
Protein change: p.Gly65Glu; replaces glycine 65 with glutamic acid.
Molecular consequence: missense variant.
Genome position (GRCh38, 1-based): chr18:28,013,888, C>T on the plus strand (G>A on the coding strand, the complement: CDH2 is on the minus strand). VCF-style: chr18-28013888-C-T. GRCh37 (hg19) VCF-style: chr18-25593852-C-T.
Other names: c.101G>A, p.Gly34Glu (NM_001308176.2); short protein forms G65E, G34E.
Identifiers: ClinVar variation 1357952 (VCV001357952.6), dbSNP rs1357817564, ClinGen allele CA402244791.
Genomic context (GRCh38, chr18:28,013,888, plus strand): 5'-CCATCTTCATCCACCTTAAAATCTGCAGGCTCACTGCTCTCATATTGTACTTTTCTTTTT[C>T]CATTGCAGTTGCTAAACTTCACTGTAAAAGATAAGAAATAGGTCAGTTATTATAATTATA-3'
Protein context (NP_001783.2, residues 55-75): LLNVKFSNCN[Gly65Glu]KRKVQYESSE